The following is an entry in ClinVar:

ClinVar aggregate classification (germline): Pathogenic/Likely pathogenic. Review status: criteria provided, multiple submitters, no conflicts (2 of 4 stars). 4 submissions from 4 submitters: Pathogenic (3); Likely pathogenic (1). Last evaluated 2026-07-08.

Conditions:
Familial hemophagocytic lymphohistiocytosis 2 (FHL2). Also called: PRF1-Related Familial Hemophagocytic Lymphohistiocytosis (PRF1-fHLH). Identifiers: Orphanet 540, MedGen C1863727, MONDO:0011337, OMIM 603553.
Aplastic anemia. Identifiers: Orphanet 182040, Orphanet 88, MedGen C0002874, MONDO:0015909, OMIM 609135, HP:0001915.
Lymphoma, non-Hodgkin, familial. Identifiers: MedGen C4721532, MONDO:0011508, OMIM 605027.

gnomAD v4.1: 9 of 1,613,406 alleles (0.00056%); highest among the groups gnomAD compares: Non-Finnish European, 0.00076%; no homozygotes.

Submissions (4):

GeneDx
Classification: Likely pathogenic. Last evaluated: 2026-07-08. Review status: criteria provided, single submitter. Criteria: GeneDx Variant Classification Process June 2021. Collection method: clinical testing. Allele origin: germline.
Comment: Nonsense variant predicted to result in protein truncation, as the last 337 amino acid(s) are lost, and other loss-of-function variants have been reported downstream in HGMD; Not observed at significant frequency in large population cohorts (gnomAD); Observed with a pathogenic or likely pathogenic variant in patients with familial hemophagocytic lymphohistiocytosis in published literature, but it is not known whether the variants occurred on the same (in cis) or on different (in trans) alleles in some cases (PMID: 11179007, 16778144, 40090000); This variant is associated with the following publications: (PMID: 11179007, 27153395, 26342526, 16778144, 34426522, 40090000)

Labcorp Genetics (formerly Invitae), Labcorp
Classification: Pathogenic for Familial hemophagocytic lymphohistiocytosis 2. Last evaluated: 2025-09-23. Review status: criteria provided, single submitter. Criteria: Invitae Variant Classification Sherloc (09022015). Collection method: clinical testing. Allele origin: germline.
Comment: This sequence change creates a premature translational stop signal (p.Tyr219*) in the PRF1 gene. While this is not anticipated to result in nonsense mediated decay, it is expected to disrupt the last 337 amino acid(s) of the PRF1 protein. This variant is present in population databases (rs752608972, gnomAD 0.003%). This premature translational stop signal has been observed in individual(s) with hemophagocytic lymphohistiocytosis (PMID: 11179007). ClinVar contains an entry for this variant (Variation ID: 2136872). This variant disrupts a region of the PRF1 protein in which other variant(s) (p.Thr450Met) have been determined to be pathogenic (PMID: 15632205, 15728124, 17266056, 18074390, 19487666). This suggests that this is a clinically significant region of the protein, and that variants that disrupt it are likely to be disease-causing. For these reasons, this variant has been classified as Pathogenic.

Fulgent Genetics
Classification: Pathogenic for Familial hemophagocytic lymphohistiocytosis 2; Lymphoma, non-Hodgkin, familial; Aplastic anemia. Last evaluated: 2024-06-17. Review status: criteria provided, single submitter. Criteria: ACMG Guidelines, 2015. Collection method: clinical testing. Allele origin: germline.

Baylor Genetics
Classification: Pathogenic for Aplastic anemia. Last evaluated: 2024-01-04. Review status: criteria provided, single submitter. Criteria: ACMG Guidelines, 2015. Collection method: clinical testing. Allele origin: unknown.

Literature cited by the submitters: PubMed 11179007 (cited by Labcorp Genetics (formerly Invitae), Labcorp); PubMed 15632205 (cited by Labcorp Genetics (formerly Invitae), Labcorp); PubMed 15728124 (cited by Labcorp Genetics (formerly Invitae), Labcorp); PubMed 17266056 (cited by Labcorp Genetics (formerly Invitae), Labcorp); PubMed 18074390 (cited by Labcorp Genetics (formerly Invitae), Labcorp); PubMed 19487666 (cited by Labcorp Genetics (formerly Invitae), Labcorp).

NM_001083116.3(PRF1):c.657C>A (p.Tyr219Ter)

Gene: PRF1 (perforin 1; minus strand). Cytogenetic location: 10q22.1.
Variant type: single nucleotide variant.
Coding change: c.657C>A on transcript NM_001083116.3 (MANE Select); coding-DNA position 657, C replaced by A.
Protein change: p.Tyr219Ter; replaces tyrosine 219 with a stop codon.
Molecular consequence: nonsense.
Genome position (GRCh38, 1-based): chr10:70,599,064, G>T on the plus strand (C>A on the coding strand, the complement: PRF1 is on the minus strand). VCF-style: chr10-70599064-G-T. GRCh37 (hg19) VCF-style: chr10-72358820-G-T.
Other names: c.657C>A, p.Tyr219Ter (NM_005041.6); short protein forms Y219*.
Identifiers: ClinVar variation 2136872 (VCV002136872.9), dbSNP rs752608972, ClinGen allele CA5538954.
Genomic context (GRCh38, chr10:70,599,064, plus strand): 5'-CAGGGCAGTGAGGGCCGATATGCGGCCACCCAGCTCCACAGCCCGGATGAAGTGGGTGCC[G>T]TAGTTGGAGATAAGCCTGAGGTAGGCGGGCTGGGTGGAGGCGTTGAAGTGGTGGGGCAGG-3'